The following is an entry in ClinVar:

NM_020923.3(ZDBF2):c.2321G>A (p.Arg774Gln)

Gene: ZDBF2 (zinc finger DBF-type containing 2; plus strand). Cytogenetic location: 2q33.3.
Variant type: single nucleotide variant.
Coding change: c.2321G>A on transcript NM_020923.3 (MANE Select); coding-DNA position 2321, G replaced by A.
Protein change: p.Arg774Gln; replaces arginine 774 with glutamine.
Molecular consequence: missense variant.
Genome position (GRCh38, 1-based): chr2:206,306,849, G>A. VCF-style: chr2-206306849-G-A. GRCh37 (hg19) VCF-style: chr2-207171573-G-A.
Other names: c.2315G>A, p.Arg772Gln (NM_001285549.2); c.2321G>A, p.Arg774Gln (NM_001369654.1); short protein forms R772Q, R774Q.
Identifiers: ClinVar variation 4754740 (VCV004754740.1).
Genomic context (GRCh38, chr2:206,306,849, plus strand): 5'-CTGACCCGCCTCTTCTGTCAGTTACTGAGCAGTCTCATCTGGATGCTGAAGGAAAAGAAC[G>A]GCACATTGACCTGGAAGATGAGAGCTGTGAGTCAGATAGTTCTGAAATAACTTTTGATTC-3'
Protein context (NP_065974.1, residues 764-784): QSHLDAEGKE[Arg774Gln]HIDLEDESCE

ClinVar aggregate classification (germline): Uncertain significance (1 of 4 stars; one submission).

Submission:

Labcorp Genetics (formerly Invitae), Labcorp
Classification: Uncertain significance. Last evaluated: 2026-01-25. Review status: criteria provided, single submitter. Criteria: Invitae Variant Classification Sherloc (09022015). Collection method: clinical testing. Allele origin: germline.
Comment: This sequence change replaces arginine, which is basic and polar, with glutamine, which is neutral and polar, at codon 774 of the ZDBF2 protein (p.Arg774Gln). This variant is present in population databases (rs200895636, gnomAD 0.09%), and has an allele count higher than expected for a pathogenic variant. This variant has not been reported in the literature in individuals affected with ZDBF2-related conditions. An algorithm developed to predict the effect of missense changes on protein structure and function (PolyPhen-2) suggests that this variant is likely to be disruptive. In summary, the available evidence is currently insufficient to determine the role of this variant in disease. Therefore, it has been classified as a Variant of Uncertain Significance.